The following is an entry in ClinVar:

ClinVar aggregate classification (germline): Uncertain significance. Review status: criteria provided, multiple submitters, no conflicts (2 of 4 stars). 3 submissions from 3 submitters: Uncertain significance (3). Last evaluated 2025-10-18.

Conditions:
Atrial fibrillation, familial, 11 (ATFB11). Identifiers: MedGen C3279693, MONDO:0013544, OMIM 614049.
Atrial standstill 1 (ATRST1). Also called: ATRIAL CARDIOMYOPATHY WITH HEART BLOCK; CARDIOMYOPATHY, FAMILIAL, WITH CONDUCTION DISTURBANCE; Atrial standstill, digenic (GJA5/SCN5A). Identifiers: Orphanet 1344, MedGen C4551959, MONDO:0007171, OMIM 108770.
Inborn genetic diseases. Identifiers: MedGen C0950123, MeSH D030342.

Allele frequency attached by ClinVar (database versions not stated): gnomAD exomes 0.00001; ESP Exome Variant Server 0.00008.

Submissions (3):

Ambry Genetics
Classification: Uncertain significance for Inborn genetic diseases. Last evaluated: 2025-10-18. Review status: criteria provided, single submitter. Criteria: Ambry Variant Classification Scheme 2023. Collection method: clinical testing. Allele origin: germline.

Labcorp Genetics (formerly Invitae), Labcorp
Classification: Uncertain significance for Atrial fibrillation, familial, 11; Atrial standstill 1. Last evaluated: 2023-12-16. Review status: criteria provided, single submitter. Criteria: Invitae Variant Classification Sherloc (09022015). Collection method: clinical testing. Allele origin: germline.
Comment: This sequence change replaces arginine, which is basic and polar, with cysteine, which is neutral and slightly polar, at codon 160 of the GJA5 protein (p.Arg160Cys). This variant is present in population databases (rs368383054, gnomAD 0.002%). This variant has not been reported in the literature in individuals affected with GJA5-related conditions. ClinVar contains an entry for this variant (Variation ID: 970329). Advanced modeling of protein sequence and biophysical properties (such as structural, functional, and spatial information, amino acid conservation, physicochemical variation, residue mobility, and thermodynamic stability) performed at Invitae indicates that this missense variant is expected to disrupt GJA5 protein function with a positive predictive value of 80%. In summary, the available evidence is currently insufficient to determine the role of this variant in disease. Therefore, it has been classified as a Variant of Uncertain Significance.

GeneDx
Classification: Uncertain significance. Last evaluated: 2023-12-11. Review status: criteria provided, single submitter. Criteria: GeneDx Variant Classification Process June 2021. Collection method: clinical testing. Allele origin: germline. Affected: yes.
Comment: Not observed at significant frequency in large population cohorts (gnomAD); In silico analysis supports that this missense variant has a deleterious effect on protein structure/function; Has not been previously published as pathogenic or benign to our knowledge

NM_181703.4(GJA5):c.478C>T (p.Arg160Cys)

Gene: GJA5 (gap junction protein alpha 5; minus strand). Cytogenetic location: 1q21.2.
Variant type: single nucleotide variant.
Coding change: c.478C>T on transcript NM_181703.4 (MANE Select); coding-DNA position 478, C replaced by T.
Protein change: p.Arg160Cys; replaces arginine 160 with cysteine.
Molecular consequence: missense variant.
Genome position (GRCh38, 1-based): chr1:147,758,761, G>A on the plus strand (C>T on the coding strand, the complement: GJA5 is on the minus strand). VCF-style: chr1-147758761-G-A. GRCh37 (hg19) VCF-style: chr1-147230869-G-A.
Other names: c.478C>T, p.Arg160Cys (NM_005266.7); c.478C>T (NM_005266.5); short protein forms R160C.
Identifiers: ClinVar variation 970329 (VCV000970329.10), dbSNP rs368383054, ClinGen allele CA30068883.